The following is an entry in ClinVar:

ClinVar aggregate classification (germline): Uncertain significance. Review status: criteria provided, multiple submitters, no conflicts (2 of 4 stars). 2 submissions from 2 submitters: Uncertain significance (2). Last evaluated 2025-06-14.

Conditions:
Emery-Dreifuss muscular dystrophy (EDMD). Also called: Scapuloperoneal syndrome, X-linked (formerly); Humeroperoneal neuromuscular disease, (formerly). Identifiers: Orphanet 261, MedGen C0410189, MONDO:0016830.

gnomAD v4.1: 3 of 1,610,424 alleles (0.00019%); highest among the groups gnomAD compares: Non-Finnish European, 0.00025%; no homozygotes.

Submissions (2):

Labcorp Genetics (formerly Invitae), Labcorp
Classification: Uncertain significance for Emery-Dreifuss muscular dystrophy. Last evaluated: 2025-06-14. Review status: criteria provided, single submitter. Criteria: Invitae Variant Classification Sherloc (09022015). Collection method: clinical testing. Allele origin: germline.
Comment: This sequence change replaces threonine, which is neutral and polar, with isoleucine, which is neutral and non-polar, at codon 171 of the SUN2 protein (p.Thr171Ile). This variant is not present in population databases (gnomAD no frequency). This variant has not been reported in the literature in individuals affected with SUN2-related conditions. ClinVar contains an entry for this variant (Variation ID: 3451317). An algorithm developed to predict the effect of missense changes on protein structure and function (PolyPhen-2) suggests that this variant is likely to be disruptive. In summary, the available evidence is currently insufficient to determine the role of this variant in disease. Therefore, it has been classified as a Variant of Uncertain Significance.

Ambry Genetics
Classification: Uncertain significance. Last evaluated: 2024-09-08. Review status: criteria provided, single submitter. Criteria: Ambry Variant Classification Scheme 2023. Collection method: clinical testing. Allele origin: germline.

NM_015374.3(SUN2):c.512C>T (p.Thr171Ile)

Gene: SUN2 (Sad1 and UNC84 domain containing 2; minus strand). Cytogenetic location: 22q13.1.
Variant type: single nucleotide variant.
Coding change: c.512C>T on transcript NM_015374.3 (MANE Select); coding-DNA position 512, C replaced by T.
Protein change: p.Thr171Ile; replaces threonine 171 with isoleucine.
Molecular consequence: missense variant. On other transcripts: intron variant (1).
Genome position (GRCh38, 1-based): chr22:38,750,233, G>A on the plus strand (C>T on the coding strand, the complement: SUN2 is on the minus strand). VCF-style: chr22-38750233-G-A. GRCh37 (hg19) VCF-style: chr22-39146238-G-A.
Other names: c.557C>T, p.Thr186Ile (NM_001394430.1, NM_001394429.1); c.512C>T, p.Thr171Ile (NM_001394431.1, NM_001394432.1, NM_001394433.1 and 9 more transcripts); c.422C>T, p.Thr141Ile (NM_001394438.1); c.374C>T, p.Thr125Ile (NM_001394439.1, NM_001394440.1, NM_001394441.1); c.123-1450C>T (NM_001394443.1); c.575C>T, p.Thr192Ile (NM_001199579.2, NM_001394428.1); short protein forms T192I, T125I, T141I, T186I, T171I.
Identifiers: ClinVar variation 3451317 (VCV003451317.2).